The following is an entry in ClinVar:

ClinVar aggregate classification (germline): Uncertain significance. Review status: criteria provided, multiple submitters, no conflicts (2 of 4 stars). 2 submissions from 2 submitters: Uncertain significance (2). Last evaluated 2024-07-01.

Conditions:
Muscular dystrophy-dystroglycanopathy (congenital with impaired intellectual development), type B, 1. Also called: MUSCULAR DYSTROPHY, CONGENITAL, POMT1-RELATED; Muscular dystrophy-dystroglycanopathy (congenital with intellectual disability), type B1. Identifiers: MedGen C5436962, MONDO:0013159, OMIM 613155.

Submissions (3):

CeGaT Center for Human Genetics Tuebingen
Classification: Uncertain significance. Last evaluated: 2024-07-01. Review status: criteria provided, single submitter. Criteria: CeGaT Center For Human Genetics Tuebingen Variant Classification Criteria Version 2. Collection method: clinical testing. Allele origin: germline. Affected: yes. Observed: 4 variant alleles.
Comment: POMT1: PM2, PM3

Institute of Human Genetics, University of Leipzig Medical Center
Classification: Uncertain significance for Muscular dystrophy-dystroglycanopathy (congenital with impaired intellectual development), type B, 1. Last evaluated: 2023-12-11. Review status: criteria provided, single submitter. Criteria: ACMG Guidelines, 2015. Collection method: clinical testing. Allele origin: unknown. Inheritance: Autosomal recessive inheritance. Affected: yes.
Comment: Criteria applied: PM3,PM2,PP3

Dr. Peter K. Rogan Lab, Western University
No classification provided (evidence only). Condition: Squamous cell carcinoma of the head and neck. Review status: no classification provided. Collection method: in vitro. Allele origin: not applicable. Functional consequence: retained intron. Not counted in ClinVar's aggregate classification.

NM_001077365.2(POMT1):c.728G>C (p.Arg243Pro)

Gene: POMT1 (protein O-mannosyltransferase 1; plus strand). Cytogenetic location: 9q34.13.
Variant type: single nucleotide variant.
Coding change: c.728G>C on transcript NM_001077365.2 (MANE Select); coding-DNA position 728, G replaced by C.
Protein change: p.Arg243Pro; replaces arginine 243 with proline.
Molecular consequence: missense variant. On other transcripts: synonymous variant (1), non-coding transcript variant (10).
Genome position (GRCh38, 1-based): chr9:131,510,288, G>C. VCF-style: chr9-131510288-G-C. GRCh37 (hg19) VCF-style: chr9-134385675-G-C.
Other names: NC_000009.11:g.134385675G>C; c.566G>C, p.Arg189Pro (NM_001077366.2, NM_001353194.2, NM_001374693.1); c.728G>C, p.Arg243Pro (NM_001136113.2, NM_001374690.1); c.377G>C, p.Arg126Pro (NM_001136114.2, NM_001353195.2, NM_001374691.1 and 1 more transcripts); c.794G>C, p.Arg265Pro (NM_001353193.2, NM_007171.4); c.638G>C, p.Arg213Pro (NM_001353196.2); c.632G>C, p.Arg211Pro (NM_001353197.2, NM_001353198.2); c.443G>C, p.Arg148Pro (NM_001353199.2); and 3 more; short protein forms R113P, R189P, R126P, R148P, R243P, R91P, R265P, R211P.
Identifiers: ClinVar variation 810449 (VCV000810449.46), dbSNP rs772980661, ClinGen allele CA375307674.